The following is an entry in ClinVar:

NM_001128148.3(TFRC):c.1780G>A (p.Ala594Thr)

Gene: TFRC (transferrin receptor; minus strand). Cytogenetic location: 3q29.
Variant type: single nucleotide variant.
Coding change: c.1780G>A on transcript NM_001128148.3 (MANE Select); coding-DNA position 1780, G replaced by A.
Protein change: p.Ala594Thr; replaces alanine 594 with threonine.
Molecular consequence: missense variant.
Genome position (GRCh38, 1-based): chr3:196,055,199, C>T on the plus strand (G>A on the coding strand, the complement: TFRC is on the minus strand). VCF-style: chr3-196055199-C-T. GRCh37 (hg19) VCF-style: chr3-195782070-C-T.
Other names: c.1537G>A, p.Ala513Thr (NM_001313965.2); c.934G>A, p.Ala312Thr (NM_001313966.2); c.1780G>A, p.Ala594Thr (NM_003234.4); short protein forms A513T, A594T, A312T.
Identifiers: ClinVar variation 1491069 (VCV001491069.8), dbSNP rs768871682, ClinGen allele CA2777785.
Genomic context (GRCh38, chr3:196,055,199, plus strand): 5'-ACCTCTCATAGTCCAGGTTCAATTCAACATCATGGGTTAGTTTAATCACGAACTGACCAG[C>T]GACCTCTGCAGCTGCTCGTGCCACTTTGTTCAACTCAGGAATCCTCTCAATCAGTTCCTT-3'
Protein context (NP_001121620.1, residues 584-604): NKVARAAAEV[Ala594Thr]GQFVIKLTHD

ClinVar aggregate classification (germline): Uncertain significance (1 of 4 stars; one submission).

Allele frequency attached by ClinVar (database versions not stated): ExAC 0.00001; gnomAD exomes 0.00001; gnomAD 0.00002 and 0.00003; TOPMed 0.00002.
gnomAD v4.1: 17 of 1,614,080 alleles (0.0011%); highest among the groups gnomAD compares: African/African-American, 0.0067%; no homozygotes.

Submission:

Labcorp Genetics (formerly Invitae), Labcorp
Classification: Uncertain significance. Last evaluated: 2025-12-08. Review status: criteria provided, single submitter. Criteria: Invitae Variant Classification Sherloc (09022015). Collection method: clinical testing. Allele origin: germline.
Comment: This sequence change replaces alanine, which is neutral and non-polar, with threonine, which is neutral and polar, at codon 594 of the TFRC protein (p.Ala594Thr). This variant is present in population databases (rs768871682, gnomAD 0.01%). This variant has not been reported in the literature in individuals affected with TFRC-related conditions. ClinVar contains an entry for this variant (Variation ID: 1491069). Invitae Evidence Modeling of protein sequence and biophysical properties (such as structural, functional, and spatial information, amino acid conservation, physicochemical variation, residue mobility, and thermodynamic stability) indicates that this missense variant is not expected to disrupt TFRC protein function with a negative predictive value of 80%. In summary, the available evidence is currently insufficient to determine the role of this variant in disease. Therefore, it has been classified as a Variant of Uncertain Significance.